The following is an entry in ClinVar:

ClinVar aggregate classification (germline): Pathogenic (1 of 4 stars; one submission).

Submission:

Labcorp Genetics (formerly Invitae), Labcorp
Classification: Pathogenic. Last evaluated: 2023-09-06. Review status: criteria provided, single submitter. Criteria: Invitae Variant Classification Sherloc (09022015). Collection method: clinical testing. Allele origin: germline.
Comment: This sequence change creates a premature translational stop signal (p.Arg1564Serfs*29) in the PCDH15 gene. While this is not anticipated to result in nonsense mediated decay, it is expected to disrupt the last 392 amino acid(s) of the PCDH15 protein. This variant is present in population databases (no rsID available, gnomAD 0.0009%). This variant has not been reported in the literature in individuals affected with PCDH15-related conditions. This variant disrupts a region of the PCDH15 protein in which other variant(s) (p.Gln1576*) have been determined to be pathogenic (PMID: 28281779). This suggests that this is a clinically significant region of the protein, and that variants that disrupt it are likely to be disease-causing. For these reasons, this variant has been classified as Pathogenic.

Literature cited by the submitters: PubMed 28281779.

NM_033056.4(PCDH15):c.4685_4688dup (p.Arg1564fs)

Gene: PCDH15 (protocadherin related 15; minus strand). Cytogenetic location: 10q21.1.
Variant type: Microsatellite.
Coding change: c.4685_4688dup on transcript NM_033056.4 (MANE Plus Clinical); coding-DNA positions 4685 to 4688, 4 bases duplicated (CTCT; older notation c.4685_4688dupCTCT).
Protein change: p.Arg1564fs; shifts the reading frame from arginine 1564.
Molecular consequence: frameshift variant. On other transcripts: intron variant (8).
Genome position (GRCh38, 1-based): chr10:53,823,038-53,823,041, AGAG duplicated on the plus strand (CTCT on the coding strand, the reverse complement: PCDH15 is on the minus strand); duplicating any 4 consecutive bases within chr10:53,823,038-53,823,042 gives the same sequence; the c. name uses the placement nearest the transcript's 3' end. VCF-style (leftmost placement, unchanged base first): chr10-53823037-C-CAGAG. GRCh37 (hg19) VCF-style: chr10-55582797-C-CAGAG.
Other names: c.4478_4481dup, p.Arg1495fs (NM_001142765.2); c.4676_4679dup, p.Arg1561fs (NM_001142766.2); c.4565_4568dup, p.Arg1524fs (NM_001142767.2); c.4625_4628dup, p.Arg1544fs (NM_001142768.2); c.4616_4619dup, p.Arg1541fs (NM_001142773.2); c.4619_4622dup, p.Arg1542fs (NM_001354404.2); c.4367+4352CT[4] (NM_001354420.2, NM_001354429.2); c.4706_4709dup, p.Arg1571fs (NM_001142763.2); and 6 more; short protein forms R1495fs, R1524fs, R1541fs, R1542fs, R1544fs, R1561fs, R1564fs, R1566fs.
Identifiers: ClinVar variation 1071756 (VCV001071756.9), dbSNP rs1346160987, ClinGen allele CA593783043.